The following is an entry in ClinVar:

ClinVar aggregate classification (germline): Conflicting classifications of pathogenicity. Review status: criteria provided, conflicting classifications (1 of 4 stars). 5 submissions from 5 submitters: Likely pathogenic (2); Uncertain significance (2). 1 of the submissions does not count toward it. Last evaluated 2025-09-08.

Conditions:
Myopathy caused by variation in FKRP. Identifiers: MedGen CN305637, MONDO:0700066.
Walker-Warburg congenital muscular dystrophy. Also called: Muscular dystrophy-dystroglycanopathy, type A; Walker-Warburg syndrome. Identifiers: Orphanet 899, MedGen C0265221, MONDO:0000171.
Muscular dystrophy-dystroglycanopathy (congenital with brain and eye anomalies), type A5. Also called: MUSCULAR DYSTROPHY-DYSTROGLYCANOPATHY (CONGENITAL WITH BRAIN AND EYE ANOMALIES), TYPE A, 5; WALKER-WARBURG SYNDROME OR MUSCLE-EYE-BRAIN DISEASE, FKRP-RELATED. Identifiers: Orphanet 588, Orphanet 899, MedGen C3150413, MONDO:0013157, OMIM 613153.
Muscular dystrophy-dystroglycanopathy (congenital without impaired intellectual development), type B, 5. Identifiers: MedGen C4016970.

Allele frequency attached by ClinVar (database versions not stated): gnomAD exomes below 0.00001 and 0.00001.

Submissions (5):

Myriad Genetics, Inc.
Classification: Uncertain significance for Myopathy caused by variation in FKRP. Last evaluated: 2025-09-08. Review status: criteria provided, single submitter. Criteria: Myriad Autosomal Dominant, Autosomal Recessive and X-Linked Classification Criteria (2023). Collection method: clinical testing. Allele origin: unknown.
Comment: NM_024301.4(FKRP):c.926A>G(Y309C) is a missense variant classified as a variant of uncertain significance in the context of FKRP-related disorders. Y309C has been observed in cases with relevant disease (PMID: 11592034). Relevant functional assessments of this variant are available in the literature (PMID: 31268217). Y309C has been observed in referenced population frequency databases. In summary, there is insufficient evidence to classify NM_024301.4(FKRP):c.926A>G(Y309C) as pathogenic or benign. Please note: this variant was assessed in the context of healthy population screening.

Labcorp Genetics (formerly Invitae), Labcorp
Classification: Likely pathogenic for Walker-Warburg congenital muscular dystrophy. Last evaluated: 2023-08-22. Review status: criteria provided, single submitter. Criteria: Invitae Variant Classification Sherloc (09022015). Collection method: clinical testing. Allele origin: germline.
Comment: In summary, the currently available evidence indicates that the variant is pathogenic, but additional data are needed to prove that conclusively. Therefore, this variant has been classified as Likely Pathogenic. This sequence change replaces tyrosine, which is neutral and polar, with cysteine, which is neutral and slightly polar, at codon 309 of the FKRP protein (p.Tyr309Cys). This variant is present in population databases (rs104894679, gnomAD 0.002%). This missense change has been observed in individual(s) with congenital muscular dystrophy (PMID: 11071142, 11592034). In at least one individual the data is consistent with being in trans (on the opposite chromosome) from a pathogenic variant. It has also been observed to segregate with disease in related individuals. ClinVar contains an entry for this variant (Variation ID: 4218). Advanced modeling of protein sequence and biophysical properties (such as structural, functional, and spatial information, amino acid conservation, physicochemical variation, residue mobility, and thermodynamic stability) has been performed at Invitae for this missense variant, however the output from this modeling did not meet the statistical confidence thresholds required to predict the impact of this variant on FKRP protein function. Experimental studies have shown that this missense change affects FKRP function (PMID: 31268217).

Baylor Genetics
Classification: Likely pathogenic for Muscular dystrophy-dystroglycanopathy (congenital with brain and eye anomalies), type A5. Last evaluated: 2023-07-10. Review status: criteria provided, single submitter. Criteria: ACMG Guidelines, 2015. Collection method: clinical testing. Allele origin: unknown.

Revvity Omics, Revvity
Classification: Uncertain significance. Last evaluated: 2019-10-21. Review status: criteria provided, single submitter. Criteria: ACMG Guidelines, 2015. Collection method: clinical testing. Allele origin: germline.

OMIM
Classification: Pathogenic for MUSCULAR DYSTROPHY-DYSTROGLYCANOPATHY (CONGENITAL WITHOUT IMPAIRED INTELLECTUAL DEVELOPMENT), TYPE B, 5. Last evaluated: 2001-12-01. Review status: no assertion criteria provided. Collection method: literature only. Allele origin: germline. Not counted in ClinVar's aggregate classification.

Literature cited by the submitters: PubMed 11592034 (cited by 3 submitters); PubMed 31268217 (cited by Myriad Genetics, Inc. and Labcorp Genetics (formerly Invitae), Labcorp); PubMed 11071142 (cited by Labcorp Genetics (formerly Invitae), Labcorp and OMIM).

NM_024301.5(FKRP):c.926A>G (p.Tyr309Cys)

Gene: FKRP (fukutin related protein; plus strand). Cytogenetic location: 19q13.32.
Variant type: single nucleotide variant.
Coding change: c.926A>G on transcript NM_024301.5 (MANE Select); coding-DNA position 926, A replaced by G.
Protein change: p.Tyr309Cys; replaces tyrosine 309 with cysteine.
Molecular consequence: missense variant.
Genome position (GRCh38, 1-based): chr19:46,756,376, A>G. VCF-style: chr19-46756376-A-G. GRCh37 (hg19) VCF-style: chr19-47259633-A-G.
Other names: c.926A>G (NM_024301.4); c.926A>G, p.Tyr309Cys (NM_001039885.3); short protein forms Y309C.
Identifiers: ClinVar variation 4218 (VCV000004218.17), dbSNP rs104894679, ClinGen allele CA116695.